The following is an entry in ClinVar:

ClinVar aggregate classification (germline): Uncertain significance (1 of 4 stars; one submission).

Conditions:
Congenital myopathy 18. Also called: Myopathy, congenital, due to dihydropyridine receptor defect; DIHYDROPYRIDINE RECEPTOR CONGENITAL MYOPATHY; DHPR CONGENITAL MYOPATHY. Identifiers: MedGen C5830283, MONDO:0859514, OMIM 620246.
Hypokalemic periodic paralysis, type 1. Also called: Hypokalemic Periodic Paralysis Type 1 (AD); HypoPP. Identifiers: Orphanet 681, MedGen C3714580, MONDO:0042979, OMIM 170400.
Thyrotoxic periodic paralysis, susceptibility to, 1 (TTPP1). Identifiers: Orphanet 79102, MedGen C2749982, MONDO:0008570, OMIM 188580.
Malignant hyperthermia, susceptibility to, 5 (MHS5). Also called: CACNA1S-Related Malignant Hyperthermia Susceptibility. Identifiers: Orphanet 423, MedGen C1866077, MONDO:0011163, OMIM 601887.

Submission:

Juno Genomics, Hangzhou Juno Genomics, Inc
Classification: Uncertain significance for Congenital myopathy 18; Malignant hyperthermia, susceptibility to, 5; Thyrotoxic periodic paralysis, susceptibility to, 1; Hypokalemic periodic paralysis, type 1. Review status: criteria provided, single submitter. Criteria: ACMG Guidelines, 2015. Collection method: clinical testing. Allele origin: germline.
Comment: Absent from controls (or at extremely low frequency if recessive) in Genome Aggregation Database.;Multiple lines of computational evidence support a deleterious effect on the gene or gene product.

NM_000069.3(CACNA1S):c.3526G>A (p.Gly1176Ser)

Gene: CACNA1S (calcium voltage-gated channel subunit alpha1 S; minus strand). Cytogenetic location: 1q32.1.
Variant type: single nucleotide variant.
Coding change: c.3526G>A on transcript NM_000069.3 (MANE Select); coding-DNA position 3526, G replaced by A.
Protein change: p.Gly1176Ser; replaces glycine 1176 with serine.
Molecular consequence: missense variant.
Genome position (GRCh38, 1-based): chr1:201,058,491, C>T on the plus strand (G>A on the coding strand, the complement: CACNA1S is on the minus strand). VCF-style: chr1-201058491-C-T. GRCh37 (hg19) VCF-style: chr1-201027619-C-T.
Other names: short protein forms G1176S.
Identifiers: ClinVar variation 5005564 (VCV005005564.2).